The following is an entry in ClinVar:

NM_000334.4(SCN4A):c.2377-17del

Genes: GH-LCR (growth hormone locus control region; plus strand), SCN4A (sodium voltage-gated channel alpha subunit 4; minus strand). Cytogenetic location: 17q23.3.
Variant type: Deletion.
Coding change: c.2377-17del on transcript NM_000334.4 (MANE Select); 17 bases into the intron before coding-DNA position 2377, one base deleted (C; older notation c.2377-17delC).
Molecular consequence: intron variant.
Genome position (GRCh38, 1-based): chr17:63,951,917, G deleted on the plus strand (C on the coding strand, the reverse complement: SCN4A is on the minus strand); the first of 5 consecutive G bases (chr17:63,951,917-63,951,921); deleting any one gives the same sequence. VCF-style (leftmost placement, unchanged base first): chr17-63951916-AG-A. GRCh37 (hg19) VCF-style: chr17-62029276-AG-A.
Other names: c.2377-17delC (NM_000334.4).
Identifiers: ClinVar variation 508817 (VCV000508817.10), dbSNP rs761358378, ClinGen allele CA8709589.
Genomic context (GRCh38, chr17:63,951,916, plus strand): 5'-GGCGCTGAAGGAGCTCAGCAGCAGAGCCAGGAACAGGTTCAGGACCTGGGGCATGGGGTC[AG>A]GGGGAGCCTCACATCAGTCCCCGGGACCCAGAGGGTGCCACCTTCAGCCAGCACAGGGGT-3'

ClinVar aggregate classification (germline): Benign/Likely benign. Review status: criteria provided, multiple submitters, no conflicts (2 of 4 stars). 3 submissions from 3 submitters: Benign (1); Likely benign (2). Last evaluated 2025-12-21.

Conditions:
Hyperkalemic periodic paralysis. Also called: Familial hyperkalemic periodic paralysis; Gamstorp disease. Identifiers: Orphanet 682, MedGen C0238357, MONDO:0008224, OMIM 170500, HP:0007215.

Submissions (3):

Labcorp Genetics (formerly Invitae), Labcorp
Classification: Benign for Hyperkalemic periodic paralysis. Last evaluated: 2025-12-21. Review status: criteria provided, single submitter. Criteria: Invitae Variant Classification Sherloc (09022015). Collection method: clinical testing. Allele origin: germline.

Blueprint Genetics
Classification: Likely benign. Last evaluated: 2024-09-27. Review status: criteria provided, single submitter. Criteria: ACMG Guidelines, 2015. Collection method: clinical testing. Allele origin: germline.

GeneDx
Classification: Likely benign. Last evaluated: 2017-04-12. Review status: criteria provided, single submitter. Criteria: GeneDx Variant Classification (06012015). Collection method: clinical testing. Allele origin: germline. Affected: yes.
Comment: This variant is considered likely benign or benign based on one or more of the following criteria: it is a conservative change, it occurs at a poorly conserved position in the protein, it is predicted to be benign by multiple in silico algorithms, and/or has population frequency not consistent with disease.